The following is an entry in ClinVar:

ClinVar aggregate classification (germline): Pathogenic (1 of 4 stars; one submission).

Conditions:
Nonsyndromic genetic hearing loss. Also called: Nonsyndromic hearing loss and deafness; Non-syndromic genetic deafness; Nonsyndromic genetic deafness. Identifiers: Orphanet 87884, MedGen C5680182, MONDO:0019497.

Submission:

Women's Health and Genetics/Laboratory Corporation of America, LabCorp
Classification: Pathogenic for Nonsyndromic genetic hearing loss. Last evaluated: 2026-03-26. Review status: criteria provided, single submitter. Criteria: LabCorp Variant Classification Summary - May 2015. Collection method: clinical testing. Allele origin: germline.
Comment: Variant summary: The variant involves the deletion of exons 19-29 in the STRC gene. A presumed nomenclature of c.(3794+1_3795-1)_(*110_?)del has been designated for the purposes of this classification. The exact breakpoint at the distal 3' end of this variant is unknown, therefore this deletion may extend downstream of the annotated region of the gene. As it encompasses the termination codon, it is predicted to escape nonsense mediated decay (NMD). Loss-of-function variants in this gene are known to be pathogenic. The variant was absent in 19934 control chromosomes. c.(3794+1_3795-1)_(*110_?)del or a similar variant involving deletion of exons 19-29 has been observed in multiple individuals affected with Nonsyndromic Hearing Loss And Deafness, Type 16 (e.g. Markova_2018, RedaDelBarrio_2024, Perry_2022). These data indicate that the variant is very likely to be associated with disease. To our knowledge, no experimental evidence demonstrating an impact on protein function has been reported. The following publications have been ascertained in the context of this evaluation (PMID: 29425068, 38224868, 36515421). ClinVar contains an entry for this variant (Variation ID: 165297). Based on the evidence outlined above, the variant was classified as pathogenic.

Literature cited by the submitters: PubMed 29425068; PubMed 36515421; PubMed 38224868.

NC_000015.9:g.(?_43891760)_(43897598_43900060)del

Gene: STRC (stereocilin; minus strand). Cytogenetic location: 15q15.3.
Variant type: Deletion.
Identifiers: ClinVar variation 2573346 (VCV002573346.2).